The following is an entry in ClinVar:

ClinVar aggregate classification (germline): Uncertain significance. Review status: criteria provided, multiple submitters, no conflicts (2 of 4 stars). 2 submissions from 2 submitters: Uncertain significance (2). Last evaluated 2025-03-29.

Conditions:
Hereditary cancer-predisposing syndrome. Also called: Hereditary Cancer Syndrome; Hereditary neoplastic syndrome; Tumor predisposition; Neoplastic Syndromes, Hereditary. Identifiers: Orphanet 140162, MedGen C0027672, MeSH D009386, MONDO:0015356.
Gorlin syndrome. Also called: Basal cell nevus syndrome; Nevoid Basal Cell Carcinoma Syndrome. Identifiers: Orphanet 377, MedGen C0004779, MONDO:0007187.

Submissions (2):

Ambry Genetics
Classification: Uncertain significance for Hereditary cancer-predisposing syndrome. Last evaluated: 2025-03-29. Review status: criteria provided, single submitter. Criteria: Ambry Variant Classification Scheme 2023. Collection method: clinical testing. Allele origin: germline.
Comment: The p.P162L variant (also known as c.485C>T), located in coding exon 3 of the PTCH1 gene, results from a C to T substitution at nucleotide position 485. The proline at codon 162 is replaced by leucine, an amino acid with similar properties. This amino acid position is conserved. In addition, this alteration is predicted to be deleterious by in silico analysis. Based on the available evidence, the clinical significance of this variant remains unclear.

Labcorp Genetics (formerly Invitae), Labcorp
Classification: Uncertain significance for Gorlin syndrome. Last evaluated: 2023-12-11. Review status: criteria provided, single submitter. Criteria: Invitae Variant Classification Sherloc (09022015). Collection method: clinical testing. Allele origin: germline.
Comment: This sequence change replaces proline, which is neutral and non-polar, with leucine, which is neutral and non-polar, at codon 162 of the PTCH1 protein (p.Pro162Leu). This variant is not present in population databases (gnomAD no frequency). This variant has not been reported in the literature in individuals affected with PTCH1-related conditions. Advanced modeling of protein sequence and biophysical properties (such as structural, functional, and spatial information, amino acid conservation, physicochemical variation, residue mobility, and thermodynamic stability) performed at Invitae indicates that this missense variant is not expected to disrupt PTCH1 protein function with a negative predictive value of 95%. In summary, the available evidence is currently insufficient to determine the role of this variant in disease. Therefore, it has been classified as a Variant of Uncertain Significance.

NM_000264.5(PTCH1):c.485C>T (p.Pro162Leu)

Gene: PTCH1 (patched 1; minus strand). Cytogenetic location: 9q22.32.
Variant type: single nucleotide variant.
Coding change: c.485C>T on transcript NM_000264.5 (MANE Select); coding-DNA position 485, C replaced by T.
Protein change: p.Pro162Leu; replaces proline 162 with leucine.
Molecular consequence: missense variant. On other transcripts: non-coding transcript variant (1).
Genome position (GRCh38, 1-based): chr9:95,485,784, G>A on the plus strand (C>T on the coding strand, the complement: PTCH1 is on the minus strand). VCF-style: chr9-95485784-G-A. GRCh37 (hg19) VCF-style: chr9-98248066-G-A.
Other names: c.32C>T, p.Pro11Leu (NM_001083604.3, NM_001083605.3, NM_001083606.3 and 1 more transcripts); c.485C>T, p.Pro162Leu (NM_001354918.2); c.287C>T, p.Pro96Leu (NM_001354919.2, NM_001083602.3); c.482C>T, p.Pro161Leu (NM_001083603.3); short protein forms P11L, P161L, P162L, P96L.
Identifiers: ClinVar variation 2779128 (VCV002779128.4), dbSNP rs770046324, ClinGen allele CA374116980.
Genomic context (GRCh38, chr9:95,485,784, plus strand): 5'-GCCGAGTCCAGGTGTTGTAGGAGCGCTTCTGTGGTCAGGACATTAGCACCTTCTTCTTTA[G>A]GGGTCTGTATCATGAGTTGAGGATTAAACATAGCCTCTTCTCCAATCTTCTGGCGAGTAT-3'
Protein context (NP_000255.2, residues 152-172): MFNPQLMIQT[Pro162Leu]KEEGANVLTT